The following is an entry in ClinVar:

ClinVar aggregate classification (germline): Pathogenic (1 of 4 stars; one submission).

Conditions:
Hypogonadotropic hypogonadism 5 with or without anosmia (KAL5). Also called: HYPOGONADOTROPIC HYPOGONADISM 5 WITH ANOSMIA; HYPOGONADOTROPHIC HYPOGONADISM 5 WITHOUT ANOSMIA; CHD7-Related GnRH Deficiency (Kallmann Syndrome 5). Identifiers: Orphanet 478, MedGen C3552553, MONDO:0012880, OMIM 612370. Disease mechanism: loss of function.

Submission:

Women's Health and Genetics/Laboratory Corporation of America, LabCorp
Classification: Pathogenic for Hypogonadotropic hypogonadism 5 with or without anosmia. Last evaluated: 2025-07-25. Review status: criteria provided, single submitter. Criteria: LabCorp Variant Classification Summary - May 2015. Collection method: clinical testing. Allele origin: germline.
Comment: Variant summary: CHD7 c.6247_6265del19 (p.Pro2083SerfsX55) results in a premature termination codon, predicted to cause a truncation of the encoded protein or absence of the protein due to nonsense mediated decay, which are commonly known mechanisms for disease. The variant was absent in 249196 control chromosomes (gnomAD). To our knowledge, no occurrence of c.6247_6265del19 in individuals affected with Hypogonadotropic Hypogonadism 5 With Or Without Anosmia and no experimental evidence demonstrating its impact on protein function have been reported. No submitters have cited clinical-significance assessments for this variant to ClinVar. Based on the evidence outlined above, the variant was classified as pathogenic.

NM_017780.4(CHD7):c.6247_6265del (p.Pro2083fs)

Gene: CHD7 (chromodomain helicase DNA binding protein 7; plus strand). Cytogenetic location: 8q12.2.
Variant type: Deletion.
Coding change: c.6247_6265del on transcript NM_017780.4 (MANE Select); coding-DNA positions 6247 to 6265, 19 bases deleted (CCAAGCTTGGATCTGCCAG).
Protein change: p.Pro2083fs; shifts the reading frame from proline 2083.
Molecular consequence: frameshift variant. On other transcripts: intron variant (1).
Genome position (GRCh38, 1-based): chr8:60,852,972-60,852,990, CCAAGCTTGGATCTGCCAG deleted; deleting any 19 consecutive bases within chr8:60,852,964-60,852,990 gives the same sequence; the c. name uses the placement nearest the transcript's 3' end. VCF-style (leftmost placement, unchanged base first): chr8-60852963-CTCTGCCAGCCAAGCTTGGA-C. GRCh37 (hg19) VCF-style: chr8-61765522-CTCTGCCAGCCAAGCTTGGA-C.
Other names: c.6247_6265del19 (NM_017780.4); c.1717-9257_1717-9239del (NM_001316690.1); short protein forms P2083fs.
Identifiers: ClinVar variation 4526201 (VCV004526201.1).